The following is an entry in ClinVar:

ClinVar aggregate classification (germline): Uncertain significance (1 of 4 stars; one submission).

Allele frequency attached by ClinVar (database versions not stated): gnomAD exomes below 0.00001; gnomAD 0.00001.
gnomAD v4.1: 4 of 1,569,306 alleles (0.00025%); highest among the groups gnomAD compares: South Asian, 0.0045%; no homozygotes.

Submission:

Labcorp Genetics (formerly Invitae), Labcorp
Classification: Uncertain significance. Last evaluated: 2022-06-11. Review status: criteria provided, single submitter. Criteria: Invitae Variant Classification Sherloc (09022015). Collection method: clinical testing. Allele origin: germline.
Comment: Algorithms developed to predict the effect of missense changes on protein structure and function (SIFT, PolyPhen-2, Align-GVGD) all suggest that this variant is likely to be disruptive. In summary, the available evidence is currently insufficient to determine the role of this variant in disease. Therefore, it has been classified as a Variant of Uncertain Significance. This variant has not been reported in the literature in individuals affected with NBAS-related conditions. This variant is present in population databases (no rsID available, gnomAD 0.007%). This sequence change replaces isoleucine, which is neutral and non-polar, with asparagine, which is neutral and polar, at codon 701 of the NBAS protein (p.Ile701Asn).

NM_015909.4(NBAS):c.2102T>A (p.Ile701Asn)

Gene: NBAS (NBAS subunit of NRZ tethering complex; minus strand). Cytogenetic location: 2p24.3.
Variant type: single nucleotide variant.
Coding change: c.2102T>A on transcript NM_015909.4 (MANE Select); coding-DNA position 2102, T replaced by A.
Protein change: p.Ile701Asn; replaces isoleucine 701 with asparagine.
Molecular consequence: missense variant. On other transcripts: non-coding transcript variant (1).
Genome position (GRCh38, 1-based): chr2:15,461,787, A>T on the plus strand (T>A on the coding strand, the complement: NBAS is on the minus strand). VCF-style: chr2-15461787-A-T. GRCh37 (hg19) VCF-style: chr2-15601911-A-T.
Other names: short protein forms I701N.
Identifiers: ClinVar variation 2000729 (VCV002000729.4), dbSNP rs1420819121, ClinGen allele CA345881635.